The following is an entry in ClinVar:

ClinVar aggregate classification (germline): Likely benign. Review status: criteria provided, multiple submitters, no conflicts (2 of 4 stars). 2 submissions from 2 submitters: Likely benign (2). Last evaluated 2022-05-27.

Conditions:
Dilated cardiomyopathy 1JJ (CMD1JJ). Identifiers: Orphanet 154, MedGen C3808935, MONDO:0014095, OMIM 615235.

Allele frequency attached by ClinVar (database versions not stated): gnomAD exomes below 0.00001; ExAC 0.00001; TOPMed 0.00002; gnomAD 0.00003.

Submissions (2):

Labcorp Genetics (formerly Invitae), Labcorp
Classification: Likely benign for Dilated cardiomyopathy 1JJ. Last evaluated: 2022-05-27. Review status: criteria provided, single submitter. Criteria: Invitae Variant Classification Sherloc (09022015). Collection method: clinical testing. Allele origin: germline.

GeneDx
Classification: Likely benign. Last evaluated: 2017-10-13. Review status: criteria provided, single submitter. Criteria: GeneDx Variant Classification (06012015). Collection method: clinical testing. Allele origin: germline. Affected: yes.
Comment: This variant is considered likely benign or benign based on one or more of the following criteria: it is a conservative change, it occurs at a poorly conserved position in the protein, it is predicted to be benign by multiple in silico algorithms, and/or has population frequency not consistent with disease.

NM_001105206.3(LAMA4):c.4475+14C>T

Gene: LAMA4 (laminin subunit alpha 4; minus strand). Cytogenetic location: 6q21.
Variant type: single nucleotide variant.
Coding change: c.4475+14C>T on transcript NM_001105206.3 (MANE Select); 14 bases into the intron after coding-DNA position 4475, C replaced by T.
Molecular consequence: intron variant.
Genome position (GRCh38, 1-based): chr6:112,122,000, G>A on the plus strand (C>T on the coding strand, the complement: LAMA4 is on the minus strand). VCF-style: chr6-112122000-G-A. GRCh37 (hg19) VCF-style: chr6-112443203-G-A.
Other names: c.4454+14C>T (LRG_433t2, NM_002290.5, NM_001105207.3).
Identifiers: ClinVar variation 512639 (VCV000512639.5), dbSNP rs782489593, ClinGen allele CA3964982.